The following is an entry in ClinVar:

ClinVar aggregate classification (germline): Uncertain significance. Review status: criteria provided, multiple submitters, no conflicts (2 of 4 stars). 11 submissions from 11 submitters: Uncertain significance (10). 1 of the submissions does not count toward it. Last evaluated 2025-12-10.

Conditions:
Cardiovascular phenotype. Identifiers: MedGen CN230736.
Hypertrophic cardiomyopathy 1 (CMH1). Also called: Familial hypertrophic cardiomyopathy 1; MYH7-Related Familial Hypertrophic Cardiomyopathy. Identifiers: MedGen C3495498, MONDO:0008647, OMIM 192600.
Cardiomyopathy (CMYO). Also called: Cardiomyopathies. Identifiers: Orphanet 167848, MedGen C0878544, MONDO:0004994, HP:0001638. Inheritance: Various modes of inheritance.
Hypertrophic cardiomyopathy. Also called: HYPERTROPHIC MYOCARDIOPATHY. Identifiers: Orphanet 217569, MedGen C0007194, MeSH D002312, MONDO:0005045, HP:0001639.

Allele frequency attached by ClinVar (database versions not stated): gnomAD exomes 0.00001; TOPMed 0.00003; gnomAD 0.00005 and 0.00006.

Submissions (11):

Labcorp Genetics (formerly Invitae), Labcorp
Classification: Uncertain significance for Hypertrophic cardiomyopathy. Last evaluated: 2025-12-10. Review status: criteria provided, single submitter. Criteria: Invitae Variant Classification Sherloc (09022015). Collection method: clinical testing. Allele origin: germline.
Comment: This sequence change replaces glutamic acid, which is acidic and polar, with lysine, which is basic and polar, at codon 1455 of the MYH7 protein (p.Glu1455Lys). This variant is present in population databases (no rsID available, gnomAD 0.006%). This missense change has been observed in individual(s) with hypertrophic cardiomyopathy (PMID: 1199839, 27247418, 27788187, 30297972, 33764162, 37466024). ClinVar contains an entry for this variant (Variation ID: 235032). Invitae Evidence Modeling of protein sequence and biophysical properties (such as structural, functional, and spatial information, amino acid conservation, physicochemical variation, residue mobility, and thermodynamic stability) indicates that this missense variant is expected to disrupt MYH7 protein function with a positive predictive value of 95%. In summary, the available evidence is currently insufficient to determine the role of this variant in disease. Therefore, it has been classified as a Variant of Uncertain Significance.

Ambry Genetics
Classification: Uncertain significance for Cardiovascular phenotype. Last evaluated: 2025-05-22. Review status: criteria provided, single submitter. Criteria: Ambry Variant Classification Scheme 2023. Collection method: clinical testing. Allele origin: germline.
Comment: The p.E1455K variant (also known as c.4363G>A), located in coding exon 30 of the MYH7 gene, results from a G to A substitution at nucleotide position 4363. The glutamic acid at codon 1455 is replaced by lysine, an amino acid with similar properties. This alteration has been reported in the Sarcomeric Human Cardiomyopathy Registry (SHaRe) and a cardiomyopathy cohort; however, clinical details were limited (Homburger JR et al. Proc Natl Acad Sci U S A, 2016 06;113:6701-6; Puckelwartz MJ et al. J Am Heart Assoc, 2021 04;10:e019944; Miller RJH et al. PLoS One, 2019 Jun;14:e0217612). Additionally, this alteration has been reported in an individual with isolated Ebstein anomaly (Sicko RJ et al. PLoS ONE. 2016;11:e0165174). This amino acid position is highly conserved in available vertebrate species. In addition, this alteration is predicted to be deleterious by in silico analysis. Since supporting evidence is limited at this time, the clinical significance of this alteration remains unclear.

All of Us Research Program, National Institutes of Health
Classification: Uncertain significance for Cardiomyopathy. Last evaluated: 2024-09-23. Review status: criteria provided, single submitter. Criteria: ACMG Guidelines, 2015. Collection method: clinical testing. Allele origin: germline. Inheritance: Autosomal dominant inheritance. Observed: 4 variant alleles, 4 heterozygotes.
Comment: This missense variant replaces glutamic acid with lysine at codon 1455 of the MYH7 protein. Computational prediction tools indicate that this variant has a deleterious impact on protein structure and function. To our knowledge, functional studies have not been reported for this variant. This variant has been reported in individuals affected with hypertrophic cardiomyopathy (PMID: 27247418, 30297972, 31199839, 37466024) and in an individual affected with isolated Ebstein Anomaly (PMID: 27788187). This variant has been identified in 4/282298 chromosomes in the general population by the Genome Aggregation Database (gnomAD). The available evidence is insufficient to determine the role of this variant in disease conclusively. Therefore, this variant is classified as a Variant of Uncertain Significance.

This study involves interpretation of variants in research participants for the purpose of population health screening. Participant phenotype was not available at the time of variant classification. Additional details can be found in publication PMID: 35346344, PMCID: PMC8962531

Color Diagnostics, LLC DBA Color Health
Classification: Uncertain significance for Cardiomyopathy. Last evaluated: 2024-07-26. Review status: criteria provided, single submitter. Criteria: ACMG Guidelines, 2015. Collection method: clinical testing. Allele origin: germline.
Comment: This missense variant replaces glutamic acid with lysine at codon 1455 of the MYH7 protein. Computational prediction tools indicate that this variant has a deleterious impact on protein structure and function. To our knowledge, functional studies have not been reported for this variant. This variant has been reported in individuals affected with hypertrophic cardiomyopathy (PMID: 27247418, 30297972, 31199839, 37466024) and in an individual affected with isolated Ebstein Anomaly (PMID: 27788187). This variant has been identified in 4/282298 chromosomes in the general population by the Genome Aggregation Database (gnomAD). The available evidence is insufficient to determine the role of this variant in disease conclusively. Therefore, this variant is classified as a Variant of Uncertain Significance.

Mayo Clinic Laboratories, Mayo Clinic
Classification: Uncertain significance. Last evaluated: 2024-01-19. Review status: criteria provided, single submitter. Criteria: ACMG Guidelines, 2015. Collection method: clinical testing. Allele origin: germline. Observed: 1 variant allele.
Comment: PP3

Revvity Omics, Revvity
Classification: Uncertain significance. Last evaluated: 2023-04-25. Review status: criteria provided, single submitter. Criteria: ACMG Guidelines, 2015. Collection method: clinical testing. Allele origin: germline.

GeneDx
Classification: Uncertain significance. Last evaluated: 2022-05-03. Review status: criteria provided, single submitter. Criteria: GeneDx Variant Classification Process June 2021. Collection method: clinical testing. Allele origin: germline. Affected: yes.
Comment: Reported in a patient with HCM and a patient with Ebstein anomaly (Homburger et al., 2016; Sicko et al., 2016); Identified in individuals referred for cardiomyopathy genetic testing at GeneDx; segregation data are limited at this time; Not observed at a significant frequency in large population cohorts (gnomAD); In silico analysis supports that this missense variant has a deleterious effect on protein structure/function; This variant is associated with the following publications: (PMID: 27247418, 27788187)

AiLife Diagnostics
Classification: Uncertain significance. Last evaluated: 2021-11-09. Review status: criteria provided, single submitter. Criteria: ACMG Guidelines, 2015. Collection method: clinical testing. Allele origin: germline. Affected: yes. Observed: 1 variant allele.

Blueprint Genetics
Classification: Uncertain significance. Last evaluated: 2020-03-11. Review status: criteria provided, single submitter. Criteria: ACMG Guidelines, 2015. Collection method: clinical testing. Allele origin: germline.

Stanford Center for Inherited Cardiovascular Disease, Stanford University
Classification: Uncertain significance. Last evaluated: 2015-06-11. Review status: criteria provided, single submitter. Criteria: ACMG Guidelines, 2015. Collection method: provider interpretation. Allele origin: germline.

Clinical Genetics Laboratory, University Hospital Schleswig-Holstein
Classification: Uncertain significance for Hypertrophic cardiomyopathy 1. Last evaluated: 2024-03-08. Review status: no assertion criteria provided. Collection method: clinical testing. Allele origin: germline. Affected: yes. Not counted in ClinVar's aggregate classification.

Literature cited by the submitters: PubMed 1199839 (cited by Labcorp Genetics (formerly Invitae), Labcorp); PubMed 27247418 (cited by 6 submitters); PubMed 27788187 (cited by 6 submitters); PubMed 30297972 (cited by 3 submitters); PubMed 33764162 (cited by 3 submitters); PubMed 37466024 (cited by 4 submitters); PubMed 31199839 (cited by 3 submitters); PubMed 34542152 (cited by Ambry Genetics and Mayo Clinic Laboratories, Mayo Clinic).

NM_000257.4(MYH7):c.4363G>A (p.Glu1455Lys)

Genes: MHRT (myosin heavy chain associated RNA transcript; plus strand), MYH7 (myosin heavy chain 7; minus strand). Cytogenetic location: 14q11.2.
Variant type: single nucleotide variant.
Coding change: c.4363G>A on transcript NM_000257.4 (MANE Select); coding-DNA position 4363, G replaced by A.
Protein change: p.Glu1455Lys; replaces glutamic acid 1455 with lysine.
Molecular consequence: missense variant. On other transcripts: non-coding transcript variant (1).
Genome position (GRCh38, 1-based): chr14:23,417,309, C>T on the plus strand (G>A on the coding strand, the complement: MYH7 is on the minus strand). VCF-style: chr14-23417309-C-T. GRCh37 (hg19) VCF-style: chr14-23886518-C-T.
Other names: p.Glu1455Lys; c.4363G>A (LRG_384t1); short protein forms E1455K.
Identifiers: ClinVar variation 235032 (VCV000235032.27), dbSNP rs876661373, ClinGen allele CA10581171.